The following is an entry in ClinVar:

NM_002691.4(POLD1):c.1697A>G (p.Glu566Gly)

Gene: POLD1 (DNA polymerase delta 1, catalytic subunit; plus strand). Cytogenetic location: 19q13.33.
Variant type: single nucleotide variant.
Coding change: c.1697A>G on transcript NM_002691.4 (MANE Select); coding-DNA position 1697, A replaced by G.
Protein change: p.Glu566Gly; replaces glutamic acid 566 with glycine.
Molecular consequence: missense variant. On other transcripts: non-coding transcript variant (1).
Genome position (GRCh38, 1-based): chr19:50,407,337, A>G. VCF-style: chr19-50407337-A-G. GRCh37 (hg19) VCF-style: chr19-50910594-A-G.
Other names: c.1697A>G, p.Glu566Gly (NM_001256849.1, NM_001308632.1); short protein forms E566G.
Identifiers: ClinVar variation 1314102 (VCV001314102.2), dbSNP rs1601220963, ClinGen allele CA406981190.

ClinVar aggregate classification (germline): Uncertain significance (1 of 4 stars; one submission).

Submission:

GeneDx
Classification: Uncertain significance. Last evaluated: 2021-01-29. Review status: criteria provided, single submitter. Criteria: GeneDx Variant Classification Process June 2021. Collection method: clinical testing. Allele origin: germline. Affected: yes.
Comment: Not observed in large population cohorts (Lek 2016); In silico analysis supports that this missense variant has a deleterious effect on protein structure/function; Has not been previously published as pathogenic or benign to our knowledge